The following is an entry in ClinVar:

NM_005340.7(HINT1):c.190del (p.Ser64fs)

Gene: HINT1 (histidine triad nucleotide binding protein 1; minus strand). Cytogenetic location: 5q23.3.
Variant type: Deletion.
Coding change: c.190del on transcript NM_005340.7 (MANE Select); coding-DNA position 190, one base deleted (T; older notation c.190delT).
Protein change: p.Ser64fs; shifts the reading frame from serine 64.
Molecular consequence: frameshift variant. On other transcripts: non-coding transcript variant (5).
Genome position (GRCh38, 1-based): chr5:131,162,598, A deleted on the plus strand (T on the coding strand, the reverse complement: HINT1 is on the minus strand); the first of 3 consecutive A bases (chr5:131,162,598-131,162,600); deleting any one gives the same sequence. VCF-style (leftmost placement, unchanged base first): chr5-131162597-GA-G. GRCh37 (hg19) VCF-style: chr5-130498290-GA-G.
Other names: short protein forms S64fs.
Identifiers: ClinVar variation 2752806 (VCV002752806.3), dbSNP rs2479569695, ClinGen allele CA2697546460.

ClinVar aggregate classification (germline): Pathogenic (1 of 4 stars; one submission).

Conditions:
Autosomal recessive axonal neuropathy with neuromyotonia (NMAN). Also called: MYOKYMIA, MYOTONIA, AND MUSCLE WASTING; Gamstorp-Wohlfart syndrome; Neuromyotonia and axonal neuropathy, autosomal recessive. Identifiers: Orphanet 324442, MedGen C5700127, MONDO:0007646, OMIM 137200.

Submission:

Labcorp Genetics (formerly Invitae), Labcorp
Classification: Pathogenic for Autosomal recessive axonal neuropathy with neuromyotonia. Last evaluated: 2023-08-16. Review status: criteria provided, single submitter. Criteria: Invitae Variant Classification Sherloc (09022015). Collection method: clinical testing. Allele origin: germline.
Comment: For these reasons, this variant has been classified as Pathogenic. This variant disrupts a region of the HINT1 protein in which other variant(s) (p.His112Asn) have been determined to be pathogenic (PMID: 16835243, 22961002, 31088288). This suggests that this is a clinically significant region of the protein, and that variants that disrupt it are likely to be disease-causing. This variant has not been reported in the literature in individuals affected with HINT1-related conditions. This variant is not present in population databases (gnomAD no frequency). This sequence change creates a premature translational stop signal (p.Ser64Leufs*14) in the HINT1 gene. While this is not anticipated to result in nonsense mediated decay, it is expected to disrupt the last 63 amino acid(s) of the HINT1 protein.

Literature cited by the submitters: PubMed 16835243; PubMed 22961002; PubMed 31088288.